The following is an entry in ClinVar:

ClinVar aggregate classification (germline): Uncertain significance. Review status: criteria provided, multiple submitters, no conflicts (2 of 4 stars). 2 submissions from 2 submitters: Uncertain significance (2). Last evaluated 2025-01-09.

Conditions:
Polycystic kidney disease, adult type (PKD1). Also called: Polycystic Kidney Disease 1, Autosomal Dominant; Polycystic kidney disease 1; Polycystic kidney disease 1, severe; POLYCYSTIC KIDNEY DISEASE 1 WITH OR WITHOUT POLYCYSTIC LIVER DISEASE; POLYCYSTIC KIDNEY DISEASE, ADULT, TYPE I; Polycystic Kidney, Autosomal Dominant. Identifiers: MedGen C3149841, MONDO:0008263, OMIM 173900.

gnomAD v4.1: 3 of 1,570,478 alleles (0.00019%); highest among the groups gnomAD compares: Non-Finnish European, 0.00026%; no homozygotes.

Submissions (2):

GeneDx
Classification: Uncertain significance. Last evaluated: 2025-01-09. Review status: criteria provided, single submitter. Criteria: GeneDx Variant Classification Process June 2021. Collection method: clinical testing. Allele origin: germline. Affected: yes.
Comment: Not observed at significant frequency in large population cohorts (gnomAD); In silico analysis indicates that this missense variant does not alter protein structure/function; Has not been previously published as pathogenic or benign to our knowledge

Fulgent Genetics
Classification: Uncertain significance for Polycystic kidney disease, adult type. Last evaluated: 2024-05-06. Review status: criteria provided, single submitter. Criteria: ACMG Guidelines, 2015. Collection method: clinical testing. Allele origin: germline.

NM_001009944.3(PKD1):c.9777C>G (p.Asp3259Glu)

Gene: PKD1 (polycystin 1, transient receptor potential channel interacting; minus strand). Cytogenetic location: 16p13.3.
Variant type: single nucleotide variant.
Coding change: c.9777C>G on transcript NM_001009944.3 (MANE Select); coding-DNA position 9777, C replaced by G.
Protein change: p.Asp3259Glu; replaces aspartic acid 3259 with glutamic acid.
Molecular consequence: missense variant.
Genome position (GRCh38, 1-based): chr16:2,100,007, G>C on the plus strand (C>G on the coding strand, the complement: PKD1 is on the minus strand). VCF-style: chr16-2100007-G-C. GRCh37 (hg19) VCF-style: chr16-2150008-G-C.
Other names: c.9777C>G, p.Asp3259Glu (NM_000296.4); short protein forms D3259E.
Identifiers: ClinVar variation 3579075 (VCV003579075.2).